The following is an entry in ClinVar:

NM_000288.4(PEX7):c.858_867del (p.Glu287fs)

Gene: PEX7 (peroxisomal biogenesis factor 7; plus strand). Cytogenetic location: 6q23.3.
Variant type: Deletion.
Coding change: c.858_867del on transcript NM_000288.4 (MANE Select); coding-DNA positions 858 to 867, 10 bases deleted (AGAGTTTACT; older notation c.858_867delAGAGTTTACT).
Protein change: p.Glu287fs; shifts the reading frame from glutamic acid 287.
Molecular consequence: frameshift variant.
Genome position (GRCh38, 1-based): chr6:136,898,196-136,898,205, AGAGTTTACT deleted. VCF-style (leftmost placement, unchanged base first): chr6-136898195-CAGAGTTTACT-C. GRCh37 (hg19) VCF-style: chr6-137219333-CAGAGTTTACT-C.
Other names: c.858_867del10 (NM_000288.4, NM_000288.3); c.744_753delAGAGTTTACT, p.Glu249Valfs (NM_001410945.1); c.858_867delAGAGTTTACT (NM_000288.3); short protein forms E287fs.
Identifiers: ClinVar variation 1926974 (VCV001926974.9), dbSNP rs1185311207, ClinGen allele CA570576432.
Genomic context (GRCh38, chr6:136,898,195, plus strand): 5'-TTCACAGATTCTGGAACTTTTCAAAGCCTGACTCTCTTCTTGAAACAGTGGAGCATCATA[CAGAGTTTACT>C]TGTGGTTTAGACTTCAGTCTTCAGAGCCCCACTCAGGTAACGGATACAATCTCATGATAT-3'

ClinVar aggregate classification (germline): Pathogenic/Likely pathogenic. Review status: criteria provided, multiple submitters, no conflicts (2 of 4 stars). 5 submissions from 5 submitters: Pathogenic (2); Likely pathogenic (2). 1 of the submissions does not count toward it. Last evaluated 2025-07-06.

Conditions:
Peroxisome biogenesis disorder 9B. Also called: PEX7-Related Refsum Disease; PEROXISOME BIOGENESIS DISORDER, PEX7-RELATED, ATYPICAL; Refsum disease, adult, 2. Identifiers: Orphanet 773, MedGen C2749346, MONDO:0013945, OMIM 614879.
PEX7-related disorder. Also called: PEX7-related disorders; PEX7-related condition. Identifiers: MedGen CN239409.
Rhizomelic chondrodysplasia punctata (RCDP). Identifiers: Orphanet 177, MedGen C0282529, MONDO:0015776. Disease mechanism: loss of function.
Rhizomelic chondrodysplasia punctata type 1 (RCDP1). Also called: PEROXISOME BIOGENESIS DISORDER 9; PEX7-Related Rhizomelic Chondrodysplasia Punctata; CHONDRODYSTROPHIA CALCIFICANS PUNCTATA. Identifiers: Orphanet 177, Orphanet 309789, MedGen C1859133, MONDO:0008972, OMIM 215100. Disease mechanism: loss of function.

Allele frequency attached by ClinVar (database versions not stated): gnomAD exomes below 0.00001; TOPMed 0.00002; gnomAD 0.00003.

Submissions (5):

Natera, Inc.
Classification: Likely pathogenic for Rhizomelic Chondrodysplasia Punctata. Last evaluated: 2025-07-06. Review status: criteria provided, single submitter. Criteria: Natera Variant Classification Schema (03/2026). Collection method: clinical testing. Allele origin: germline.
Comment: The c.858_867delAGAGTTTACT variant in PEX7 is a frameshift variant predicted to shift the reading frame beginning at codon 287 and leads to a stop codon 3 codons downstream. This variant is expected to result in nonsense mediated decay, truncation, or a dysfunctional protein product. This variant is rare in the general population with a frequency below the threshold expected for the associated phenotype(s). Given the available evidence, this variant is classified as Likely Pathogenic.

Women's Health and Genetics/Laboratory Corporation of America, LabCorp
Classification: Pathogenic for Rhizomelic chondrodysplasia punctata type 1. Last evaluated: 2024-05-22. Review status: criteria provided, single submitter. Criteria: LabCorp Variant Classification Summary - May 2015. Collection method: clinical testing. Allele origin: germline.
Comment: Variant summary: PEX7 c.858_867del10 (p.Glu287ValfsX3) results in a premature termination codon, predicted to cause a truncation of the encoded protein or absence of the protein, which are commonly known mechanisms for disease. Variants downstream of this position have been classified as pathogenic by our laboratory and in ClinVar (Variation ID: 7780). The variant allele was found at a frequency of 4e-06 in 251342 control chromosomes. To our knowledge, no occurrence of c.858_867del10 in individuals affected with Rhizomelic Chondrodysplasia Punctata Type 1 and no experimental evidence demonstrating its impact on protein function have been reported. ClinVar contains an entry for this variant (Variation ID: 1926974). Based on the evidence outlined above, the variant was classified as pathogenic.

Baylor Genetics
Classification: Likely pathogenic for Peroxisome biogenesis disorder 9B. Last evaluated: 2023-12-27. Review status: criteria provided, single submitter. Criteria: ACMG Guidelines, 2015. Collection method: clinical testing. Allele origin: unknown.

Labcorp Genetics (formerly Invitae), Labcorp
Classification: Pathogenic for Peroxisome biogenesis disorder 9B. Last evaluated: 2022-08-21. Review status: criteria provided, single submitter. Criteria: Invitae Variant Classification Sherloc (09022015). Collection method: clinical testing. Allele origin: germline.
Comment: This sequence change creates a premature translational stop signal (p.Glu287Valfs*3) in the PEX7 gene. While this is not anticipated to result in nonsense mediated decay, it is expected to disrupt the last 37 amino acid(s) of the PEX7 protein. This variant is present in population databases (no rsID available, gnomAD 0.008%). This variant has not been reported in the literature in individuals affected with PEX7-related conditions. This variant disrupts a region of the PEX7 protein in which other variant(s) (p.Leu292*) have been determined to be pathogenic (PMID: 9090381, 9090382, 10083738, 11756410, 21990100, 22008564, 23572185, 25800479). This suggests that this is a clinically significant region of the protein, and that variants that disrupt it are likely to be disease-causing. For these reasons, this variant has been classified as Pathogenic.

PreventionGenetics, part of Exact Sciences
Classification: Likely pathogenic for PEX7-related condition. Last evaluated: 2024-05-17. Review status: no assertion criteria provided. Collection method: clinical testing. Allele origin: germline. Not counted in ClinVar's aggregate classification.
Comment: The PEX7 c.858_867del10 variant is predicted to result in a frameshift and premature protein termination (p.Glu287Valfs*3). To our knowledge, this variant has not been reported in individuals with PEX7-related conditions. This variant is reported in 0.0080% of alleles in individuals of African descent in gnomAD. Frameshift variants in PEX7 are expected to be pathogenic. This variant is interpreted as likely pathogenic.

Literature cited by the submitters: PubMed 9090381 (cited by Labcorp Genetics (formerly Invitae), Labcorp); PubMed 9090382 (cited by Labcorp Genetics (formerly Invitae), Labcorp); PubMed 10083738 (cited by Labcorp Genetics (formerly Invitae), Labcorp); PubMed 11756410 (cited by Labcorp Genetics (formerly Invitae), Labcorp); PubMed 21990100 (cited by Labcorp Genetics (formerly Invitae), Labcorp); PubMed 22008564 (cited by Labcorp Genetics (formerly Invitae), Labcorp); PubMed 23572185 (cited by Labcorp Genetics (formerly Invitae), Labcorp); PubMed 25800479 (cited by Labcorp Genetics (formerly Invitae), Labcorp).